The following is an entry in ClinVar:

NM_004387.4(NKX2-5):c.849_852dup (p.Thr285fs)

Gene: NKX2-5 (NK2 homeobox 5; minus strand). Cytogenetic location: 5q35.1.
Variant type: Duplication.
Coding change: c.849_852dup on transcript NM_004387.4 (MANE Select); coding-DNA positions 849 to 852, 4 bases duplicated (GGCC; older notation c.849_852dupGGCC).
Protein change: p.Thr285fs; shifts the reading frame from threonine 285.
Molecular consequence: frameshift variant. On other transcripts: 3 prime UTR variant (2).
Genome position (GRCh38, 1-based): chr5:173,232,692-173,232,695, GGCC duplicated on the plus strand (GGCC on the coding strand, the reverse complement: NKX2-5 is on the minus strand); duplicating any 4 consecutive bases within chr5:173,232,692-173,232,698 gives the same sequence; the c. name uses the placement nearest the transcript's 3' end. VCF-style (leftmost placement, unchanged base first): chr5-173232691-T-TGGCC. GRCh37 (hg19) VCF-style: chr5-172659694-T-TGGCC.
Other names: c.*802_*805dup (NM_001166175.2); c.*648_*651dup (NM_001166176.2); short protein forms T285fs.
Identifiers: ClinVar variation 3372713 (VCV003372713.1).

ClinVar aggregate classification (germline): Likely pathogenic (1 of 4 stars; one submission).

Submission:

GeneDx
Classification: Likely pathogenic. Last evaluated: 2024-04-23. Review status: criteria provided, single submitter. Criteria: GeneDx Variant Classification Process June 2021. Collection method: clinical testing. Allele origin: germline. Affected: yes.
Comment: Has not been previously published as pathogenic or benign to our knowledge; Not observed at significant frequency in large population cohorts (gnomAD); Frameshift variant predicted to result in abnormal protein length as the last 40 amino acids are replaced with 111 different amino acids, and other similar variants have been reported in HGMD